The following is an entry in ClinVar:

NM_004656.4(BAP1):c.437+3del

Gene: BAP1 (BRCA1 associated deubiquitinase 1; minus strand). Cytogenetic location: 3p21.1.
Variant type: Deletion.
Coding change: c.437+3del on transcript NM_004656.4 (MANE Select); 3 bases into the intron after coding-DNA position 437, one base deleted (G; older notation c.437+3delG).
Molecular consequence: intron variant.
Genome position (GRCh38, 1-based): chr3:52,407,396, C deleted on the plus strand (G on the coding strand, the reverse complement: BAP1 is on the minus strand). VCF-style (leftmost placement, unchanged base first): chr3-52407395-AC-A. GRCh37 (hg19) VCF-style: chr3-52441411-AC-A.
Other names: c.437+3del (LRG_529t1).
Identifiers: ClinVar variation 485255 (VCV000485255.10), dbSNP rs757063339, ClinGen allele CA2437083.

ClinVar aggregate classification (germline): Uncertain significance. Review status: criteria provided, multiple submitters, no conflicts (2 of 4 stars). 3 submissions from 3 submitters: Uncertain significance (3). Last evaluated 2026-01-26.

Conditions:
Hereditary cancer-predisposing syndrome. Also called: Neoplastic Syndromes, Hereditary; Tumor predisposition; Hereditary Cancer Syndrome; Hereditary neoplastic syndrome. Identifiers: Orphanet 140162, MedGen C0027672, MeSH D009386, MONDO:0015356.
BAP1-related tumor predisposition syndrome (TPDS1). Also called: Tumor susceptibility linked to germline BAP1 mutations; BAP1 tumor predisposition syndrome; COMMON Syndrome; TUMOR PREDISPOSITION SYNDROME 1. Identifiers: Orphanet 289539, MedGen C3280492, MONDO:0013692, OMIM 614327.

Allele frequency attached by ClinVar (database versions not stated): gnomAD exomes below 0.00001; ExAC 0.00001; TOPMed 0.00001; ESP Exome Variant Server 0.00008.

Submissions (3):

Labcorp Genetics (formerly Invitae), Labcorp
Classification: Uncertain significance for BAP1-related tumor predisposition syndrome. Last evaluated: 2026-01-26. Review status: criteria provided, single submitter. Criteria: Invitae Variant Classification Sherloc (09022015). Collection method: clinical testing. Allele origin: germline.
Comment: This sequence change falls in intron 6 of the BAP1 gene. It does not directly change the encoded amino acid sequence of the BAP1 protein. It affects a nucleotide within the consensus splice site. This variant is present in population databases (rs757063339, gnomAD 0.0009%). This variant has not been reported in the literature in individuals affected with BAP1-related conditions. ClinVar contains an entry for this variant (Variation ID: 485255). Variants that disrupt the consensus splice site are a relatively common cause of aberrant splicing (PMID: 17576681, 9536098). Studies have shown that this variant is associated with inconclusive levels of altered splicing (internal data). In summary, the available evidence is currently insufficient to determine the role of this variant in disease. Therefore, it has been classified as a Variant of Uncertain Significance.

Ambry Genetics
Classification: Uncertain significance for Hereditary cancer-predisposing syndrome. Last evaluated: 2024-10-23. Review status: criteria provided, single submitter. Criteria: Ambry Variant Classification Scheme 2023. Collection method: clinical testing. Allele origin: germline.
Comment: The c.437+3delG intronic variant, located in intron 6 of the BAP1 gene, results from a deletion of one nucleotide within intron 6 of the BAP1 gene. This nucleotide position is not well conserved in available vertebrate species. In silico splice site analysis predicts that this alteration may weaken the native splice donor site. RNA studies have demonstrated that this alteration results in a splice defect; the clinical impact of this abnormal splicing is unknown at this time (Ambry internal data). Based on the available evidence, the clinical significance of this variant remains unclear.

Color Diagnostics, LLC DBA Color Health
Classification: Uncertain significance for Hereditary cancer-predisposing syndrome. Last evaluated: 2023-05-17. Review status: criteria provided, single submitter. Criteria: ACMG Guidelines, 2015. Collection method: clinical testing. Allele origin: germline.
Comment: This variant causes the deletion of one nucleotide in intron 6 of the BAP1 gene. Splice site prediction tools predict that this variant may have a significant impact on RNA splicing. To our knowledge, functional studies have not been reported for this variant. This variant has not been reported in individuals affected with BAP1-related disorders in the literature. This variant has not been identified in the general population by the Genome Aggregation Database (gnomAD). The available evidence is insufficient to determine the role of this variant in disease conclusively. Therefore, this variant is classified as a Variant of Uncertain Significance.

Literature cited by the submitters: PubMed 17576681 (cited by Labcorp Genetics (formerly Invitae), Labcorp); PubMed 9536098 (cited by Labcorp Genetics (formerly Invitae), Labcorp).